The following is an entry in ClinVar:

ClinVar aggregate classification (germline): Uncertain significance (1 of 4 stars; one submission).

Conditions:
PDE1C-related disorder. Also called: PDE1C-related condition.

gnomAD v4.1: 2 of 1,612,978 alleles (0.00012%); highest among the groups gnomAD compares: Non-Finnish European, 0.00017%; no homozygotes.

Submission:

PreventionGenetics, part of Exact Sciences
Classification: Uncertain significance for PDE1C-related condition. Last evaluated: 2026-06-22. Review status: criteria provided, single submitter. Criteria: ACMG Guidelines, 2015. Collection method: clinical testing. Allele origin: germline.
Comment: The PDE1C c.631G>A variant is predicted to result in the amino acid substitution p.Val211Ile. To our knowledge, this variant has not been reported in the literature or in a large population database (gnomAD), indicating this variant is rare. At this time, the clinical significance of this variant is uncertain due to the absence of conclusive functional and genetic evidence.

NM_001191057.4(PDE1C):c.451G>A (p.Val151Ile)

Gene: PDE1C (phosphodiesterase 1C; minus strand). Cytogenetic location: 7p14.3.
Variant type: single nucleotide variant.
Coding change: c.451G>A on transcript NM_001191057.4 (MANE Select); coding-DNA position 451, G replaced by A.
Protein change: p.Val151Ile; replaces valine 151 with isoleucine.
Molecular consequence: missense variant.
Genome position (GRCh38, 1-based): chr7:31,878,011, C>T on the plus strand (G>A on the coding strand, the complement: PDE1C is on the minus strand). VCF-style: chr7-31878011-C-T. GRCh37 (hg19) VCF-style: chr7-31917624-C-T.
Other names: c.451G>A, p.Val151Ile (NM_001191056.3, NM_001191059.4, NM_001322055.2 and 3 more transcripts); c.631G>A, p.Val211Ile (NM_001191058.4, NM_001322058.2); c.856G>A, p.Val286Ile (NM_001322059.2); short protein forms V151I, V211I, V286I.
Identifiers: ClinVar variation 4996159 (VCV004996159.1).
Genomic context (GRCh38, chr7:31,878,011, plus strand): 5'-ATCTTTTCACTCGTATTACCTTTAATGCCTCAATAACAGCTGGTGGATAGCTCAGTCCAA[C>T]CATGTTTGATGTCCGTCTATACATTCTGAAAAGCCAAAAGGGAAAAATGCAACATGATAT-3'
Protein context (NP_001177986.1, residues 141-161): ERMYRRTSNM[Val151Ile]GLSYPPAVIE